The following is an entry in ClinVar:

NM_001113378.2(FANCI):c.3187-2A>G

Gene: FANCI (FA complementation group I; plus strand). Cytogenetic location: 15q26.1.
Variant type: single nucleotide variant.
Coding change: c.3187-2A>G on transcript NM_001113378.2 (MANE Select); the canonical splice acceptor site of the intron before coding-DNA position 3187, A replaced by G.
Molecular consequence: splice acceptor variant.
Genome position (GRCh38, 1-based): chr15:89,305,339, A>G. VCF-style: chr15-89305339-A-G. GRCh37 (hg19) VCF-style: chr15-89848570-A-G.
Other names: c.3007-2A>G (NM_018193.3); c.3187-2A>G (NM_001376911.1); c.2908-2A>G (NM_001376910.1).
Identifiers: ClinVar variation 2445698 (VCV002445698.4), dbSNP rs1472123387, ClinGen allele CA393739618.

ClinVar aggregate classification (germline): Likely pathogenic. Review status: criteria provided, multiple submitters, no conflicts (2 of 4 stars). 2 submissions from 2 submitters: Likely pathogenic (2). Last evaluated 2024-10-05.

Conditions:
Fanconi anemia (FA). Also called: Fanconi's anemia. Identifiers: Orphanet 84, MedGen C0015625, MeSH D005199, MONDO:0019391.

Allele frequency attached by ClinVar (database versions not stated): gnomAD exomes below 0.00001; gnomAD 0.00001.
gnomAD v4.1: 5 of 1,614,058 alleles (0.00031%); highest among the groups gnomAD compares: East Asian, 0.0045%; no homozygotes.

Submissions (2):

Labcorp Genetics (formerly Invitae), Labcorp
Classification: Likely pathogenic for Fanconi anemia. Last evaluated: 2024-10-05. Review status: criteria provided, single submitter. Criteria: Invitae Variant Classification Sherloc (09022015). Collection method: clinical testing. Allele origin: germline.
Comment: This sequence change affects an acceptor splice site in intron 29 of the FANCI gene. It is expected to disrupt RNA splicing. Variants that disrupt the donor or acceptor splice site typically lead to a loss of protein function (PMID: 16199547), and loss-of-function variants in FANCI are known to be pathogenic (PMID: 17452773, 17460694). This variant is present in population databases (no rsID available, gnomAD 0.02%). Disruption of this splice site has been observed in individual(s) with clincial features of FANCI-related conditions (PMID: 36307859). ClinVar contains an entry for this variant (Variation ID: 2445698). Algorithms developed to predict the effect of sequence changes on RNA splicing suggest that this variant may disrupt the consensus splice site. In summary, the currently available evidence indicates that the variant is pathogenic, but additional data are needed to prove that conclusively. Therefore, this variant has been classified as Likely Pathogenic.

Women's Health and Genetics/Laboratory Corporation of America, LabCorp
Classification: Likely pathogenic for Fanconi anemia. Last evaluated: 2023-02-28. Review status: criteria provided, single submitter. Criteria: LabCorp Variant Classification Summary - May 2015. Collection method: clinical testing. Allele origin: germline.
Comment: Variant summary: FANCI c.3187-2A>G is located in a canonical splice-site and is predicted to affect mRNA splicing resulting in a significantly altered protein due to either exon skipping, shortening, or inclusion of intronic material. Several computational tools predict a significant impact on normal splicing: Four predict the variant abolishes the canonical 3' acceptor site. However, these predictions have yet to be confirmed by functional studies. The variant allele was found at a frequency of 8e-06 in 251466 control chromosomes (gnomAD). To our knowledge, no occurrence of c.3187-2A>G in individuals affected with Fanconi Anemia and no experimental evidence demonstrating its impact on protein function have been reported. No clinical diagnostic laboratories have submitted clinical-significance assessments for this variant to ClinVar after 2014. Based on the evidence outlined above, the variant was classified as likely pathogenic.

Literature cited by the submitters: PubMed 16199547 (cited by Labcorp Genetics (formerly Invitae), Labcorp); PubMed 17452773 (cited by Labcorp Genetics (formerly Invitae), Labcorp); PubMed 17460694 (cited by Labcorp Genetics (formerly Invitae), Labcorp); PubMed 36307859 (cited by Labcorp Genetics (formerly Invitae), Labcorp).